The following is an entry in ClinVar:

ClinVar aggregate classification (germline): Uncertain significance (1 of 4 stars; one submission).

Submission:

Ambry Genetics
Classification: Uncertain significance. Last evaluated: 2025-03-17. Review status: criteria provided, single submitter. Criteria: Ambry Variant Classification Scheme 2023. Collection method: clinical testing. Allele origin: germline.
Comment: The p.T1338S variant (also known as c.4013C>G), located in coding exon 36 of the KIF1B gene, results from a C to G substitution at nucleotide position 4013. The threonine at codon 1338 is replaced by serine, an amino acid with similar properties. This amino acid position is conserved. In addition, the in silico prediction for this alteration is inconclusive. Based on the available evidence, the clinical significance of this variant remains unclear.

NM_001365951.3(KIF1B):c.4151C>G (p.Thr1384Ser)

Gene: KIF1B (kinesin family member 1B; plus strand). Cytogenetic location: 1p36.22.
Variant type: single nucleotide variant.
Coding change: c.4151C>G on transcript NM_001365951.3 (MANE Select); coding-DNA position 4151, C replaced by G.
Protein change: p.Thr1384Ser; replaces threonine 1384 with serine.
Molecular consequence: missense variant.
Genome position (GRCh38, 1-based): chr1:10,361,024, C>G. VCF-style: chr1-10361024-C-G. GRCh37 (hg19) VCF-style: chr1-10421082-C-G.
Other names: c.4151C>G, p.Thr1384Ser (NM_001365952.1); c.4013C>G, p.Thr1338Ser (NM_015074.3); short protein forms T1338S, T1384S.
Identifiers: ClinVar variation 4043072 (VCV004043072.1).